The following is an entry in ClinVar:

ClinVar aggregate classification (germline): Uncertain significance (1 of 4 stars; one submission).

Conditions:
Pitt-Hopkins syndrome (PTHS). Also called: ENCEPHALOPATHY, SEVERE EPILEPTIC, WITH AUTONOMIC DYSFUNCTION; MENTAL RETARDATION, SYNDROMAL, WITH INTERMITTENT HYPERVENTILATION. Identifiers: Orphanet 2896, MedGen C1970431, MONDO:0012589, OMIM 610954.

Submission:

Labcorp Genetics (formerly Invitae), Labcorp
Classification: Uncertain significance for Pitt-Hopkins syndrome. Last evaluated: 2025-12-21. Review status: criteria provided, single submitter. Criteria: Invitae Variant Classification Sherloc (09022015). Collection method: clinical testing. Allele origin: germline.
Comment: This sequence change replaces aspartic acid, which is acidic and polar, with asparagine, which is neutral and polar, at codon 520 of the TCF4 protein (p.Asp520Asn). This variant is not present in population databases (gnomAD no frequency). This variant has not been reported in the literature in individuals affected with TCF4-related conditions. Invitae Evidence Modeling of protein sequence and biophysical properties (such as structural, functional, and spatial information, amino acid conservation, physicochemical variation, residue mobility, and thermodynamic stability) indicates that this missense variant is not expected to disrupt TCF4 protein function with a negative predictive value of 95%. In summary, the available evidence is currently insufficient to determine the role of this variant in disease. Therefore, it has been classified as a Variant of Uncertain Significance.

NM_001083962.2(TCF4):c.1558G>A (p.Asp520Asn)

Gene: TCF4 (transcription factor 4; minus strand). Cytogenetic location: 18q21.2.
Variant type: single nucleotide variant.
Coding change: c.1558G>A on transcript NM_001083962.2 (MANE Select); coding-DNA position 1558, G replaced by A.
Protein change: p.Asp520Asn; replaces aspartic acid 520 with asparagine.
Molecular consequence: missense variant.
Genome position (GRCh38, 1-based): chr18:55,232,600, C>T on the plus strand (G>A on the coding strand, the complement: TCF4 is on the minus strand). VCF-style: chr18-55232600-C-T. GRCh37 (hg19) VCF-style: chr18-52899831-C-T.
Other names: c.1864G>A, p.Asp622Asn (NM_001243226.3); c.1486G>A, p.Asp496Asn (NM_001243227.2, NM_001306207.1, NM_001348217.1 and 5 more transcripts); c.1576G>A, p.Asp526Asn (NM_001243228.2); c.1549G>A, p.Asp517Asn (NM_001243230.2); c.1432G>A, p.Asp478Asn (NM_001243231.2, NM_001348211.2); c.1345G>A, p.Asp449Asn (NM_001243232.1, NM_001306208.1); c.1168G>A, p.Asp390Asn (NM_001243233.2, NM_001330605.3, NM_001348212.2 and 1 more transcripts); c.1078G>A, p.Asp360Asn (NM_001243234.2, NM_001243235.2, NM_001243236.2 and 1 more transcripts); and 6 more; short protein forms D495N, D497N, D359N, D478N, D496N, D304N, D360N, D390N.
Identifiers: ClinVar variation 4746360 (VCV004746360.1).
Genomic context (GRCh38, chr18:55,232,600, plus strand): 5'-CCTTCTTGTCGTCATCTAATTTCTTGTCCTCCGAAGATTTCGTGTCTTGCAGGTTCTCAT[C>T]ACCCTCGTCATCGGATTTGATCTCAGAGCTGCCAGAGGAGACACTCTGCCCCTGTAGTCC-3'
Protein context (NP_001077431.1, residues 510-530): SSEIKSDDEG[Asp520Asn]ENLQDTKSSE